The following is an entry in ClinVar:

ClinVar aggregate classification (germline): Uncertain significance (1 of 4 stars; one submission).

Conditions:
TNF receptor-associated periodic fever syndrome (TRAPS) (FPF). Also called: FAMILIAL HIBERNIAN FEVER; TNF RECEPTOR-ASSOCIATED PERIODIC SYNDROME; TUMOR NECROSIS FACTOR RECEPTOR-ASSOCIATED PERIODIC SYNDROME; TNF Receptor-Associated Periodic Fever Syndrome; Autosomal Dominant Familial Periodic Fever; TNF receptor 1-associated periodic fever syndrome. Identifiers: Orphanet 32960, MedGen C1275126, MONDO:0007727, OMIM 142680.

Allele frequency attached by ClinVar (database versions not stated): gnomAD exomes below 0.00001; TOPMed below 0.00001; ExAC 0.00002.
gnomAD v4.1: 4 of 1,613,530 alleles (0.00025%); highest among the groups gnomAD compares: Non-Finnish European, 0.00025%; no homozygotes.

Submission:

Labcorp Genetics (formerly Invitae), Labcorp
Classification: Uncertain significance for TNF receptor-associated periodic fever syndrome (TRAPS). Last evaluated: 2022-08-19. Review status: criteria provided, single submitter. Criteria: Invitae Variant Classification Sherloc (09022015). Collection method: clinical testing. Allele origin: germline.
Comment: This sequence change replaces threonine, which is neutral and polar, with methionine, which is neutral and non-polar, at codon 192 of the TNFRSF1A protein (p.Thr192Met). This variant is present in population databases (rs746211239, gnomAD 0.003%). This variant has not been reported in the literature in individuals affected with TNFRSF1A-related conditions. Advanced modeling of protein sequence and biophysical properties (such as structural, functional, and spatial information, amino acid conservation, physicochemical variation, residue mobility, and thermodynamic stability) performed at Invitae indicates that this missense variant is not expected to disrupt TNFRSF1A protein function. In summary, the available evidence is currently insufficient to determine the role of this variant in disease. Therefore, it has been classified as a Variant of Uncertain Significance.

NM_001065.4(TNFRSF1A):c.575C>T (p.Thr192Met)

Gene: TNFRSF1A (TNF receptor superfamily member 1A; minus strand). Cytogenetic location: 12p13.31.
Variant type: single nucleotide variant.
Coding change: c.575C>T on transcript NM_001065.4 (MANE Select); coding-DNA position 575, C replaced by T.
Protein change: p.Thr192Met; replaces threonine 192 with methionine.
Molecular consequence: missense variant.
Genome position (GRCh38, 1-based): chr12:6,330,903, G>A on the plus strand (C>T on the coding strand, the complement: TNFRSF1A is on the minus strand). VCF-style: chr12-6330903-G-A. GRCh37 (hg19) VCF-style: chr12-6440069-G-A.
Other names: c.251C>T, p.Thr84Met (NM_001346091.2); c.116C>T, p.Thr39Met (NM_001346092.2); short protein forms T192M, T84M, T39M.
Identifiers: ClinVar variation 2071580 (VCV002071580.4), dbSNP rs746211239, ClinGen allele CA6405461.